The following is an entry in ClinVar:

ClinVar aggregate classification (germline): Likely pathogenic (1 of 4 stars; one submission).

Conditions:
Macrocephaly-developmental delay syndrome (MRT41). Also called: INTELLECTUAL DEVELOPMENTAL DISORDER, AUTOSOMAL RECESSIVE 41. Identifiers: Orphanet 397612, MedGen C3810225, MONDO:0014289, OMIM 615637.

Submission:

Greenwood Genetic Center Diagnostic Laboratories, Greenwood Genetic Center
Classification: Likely pathogenic for Macrocephaly-developmental delay syndrome. Last evaluated: 2025-11-17. Review status: criteria provided, single submitter. Criteria: ACMG Guidelines, 2015. Collection method: clinical testing. Allele origin: germline. Affected: yes.
Comment: PVS1, PM2

NM_007059.4(KPTN):c.572_573delinsAA (p.Phe191Ter)

Gene: KPTN (kaptin, actin binding protein; minus strand). Cytogenetic location: 19q13.32.
Variant type: Indel.
Coding change: c.572_573delinsAA on transcript NM_007059.4 (MANE Select); coding-DNA positions 572 to 573, TC replaced by AA.
Protein change: p.Phe191Ter; replaces phenylalanine 191 with a stop codon.
Molecular consequence: nonsense. On other transcripts: non-coding transcript variant (1).
Genome position (GRCh38, 1-based): chr19:47,480,786-47,480,787, GA replaced by TT on the plus strand (TC replaced by AA on the coding strand, the reverse complement: KPTN is on the minus strand). VCF-style: chr19-47480786-GA-TT. GRCh37 (hg19) VCF-style: chr19-47984043-GA-TT.
Other names: c.404_405delinsAA, p.Phe135Ter (NM_001291296.2); short protein forms F135*, F191*.
Identifiers: ClinVar variation 4845465 (VCV004845465.1).